The following is an entry in ClinVar:

NM_002085.5(GPX4):c.85-403C>T

Genes: GPX4 (glutathione peroxidase 4; plus strand), LOC130062887 (ATAC-STARR-seq lymphoblastoid silent region 9665; plus strand). Cytogenetic location: 19p13.3.
Variant type: single nucleotide variant.
Coding change: c.85-403C>T on transcript NM_002085.5 (MANE Select); 403 bases into the intron before coding-DNA position 85, C replaced by T.
Molecular consequence: intron variant. On other transcripts: nonsense (1).
Genome position (GRCh38, 1-based): chr19:1,104,783, C>T. VCF-style: chr19-1104783-C-T. GRCh37 (hg19) VCF-style: chr19-1104782-C-T.
Other names: c.49C>T, p.Gln17Ter (NM_001039848.4); c.85-403C>T (NM_001039847.3); c.4-403C>T (NM_001367832.1); short protein forms Q17*.
Identifiers: ClinVar variation 2193296 (VCV002193296.4), dbSNP rs1040467710, ClinGen allele CA303993046.

ClinVar aggregate classification (germline): Pathogenic (1 of 4 stars; one submission).

Allele frequency attached by ClinVar (database versions not stated): gnomAD 0.00002; TOPMed 0.00003.
gnomAD v4.1: 18 of 989,896 alleles (0.0018%); highest among the groups gnomAD compares: Middle Eastern, 0.049%; no homozygotes.

Submission:

Labcorp Genetics (formerly Invitae), Labcorp
Classification: Pathogenic. Last evaluated: 2024-12-22. Review status: criteria provided, single submitter. Criteria: Invitae Variant Classification Sherloc (09022015). Collection method: clinical testing. Allele origin: germline.
Comment: This sequence change creates a premature translational stop signal (p.Gln17*) in the GPX4 gene. It is expected to result in an absent or disrupted protein product. Loss-of-function variants in GPX4 are known to be pathogenic (PMID: 24706940). This variant is not present in population databases (gnomAD no frequency). This variant has not been reported in the literature in individuals affected with GPX4-related conditions. ClinVar contains an entry for this variant (Variation ID: 2193296). For these reasons, this variant has been classified as Pathogenic.

Literature cited by the submitters: PubMed 24706940.